The following is an entry in ClinVar:

ClinVar aggregate classification (germline): Benign. Review status: criteria provided, multiple submitters, no conflicts (2 of 4 stars). 2 submissions from 2 submitters: Benign (2). Last evaluated 2026-01-31.

Conditions:
Duchenne muscular dystrophy (DMD). Also called: MUSCULAR DYSTROPHY, PSEUDOHYPERTROPHIC PROGRESSIVE, DUCHENNE TYPE; Duchenne Muscular Dystrophy (DMD). Identifiers: Orphanet 98896, MedGen C0013264, MONDO:0010679, OMIM 310200.

Submissions (2):

Labcorp Genetics (formerly Invitae), Labcorp
Classification: Benign for Duchenne muscular dystrophy. Last evaluated: 2026-01-31. Review status: criteria provided, single submitter. Criteria: Invitae Variant Classification Sherloc (09022015). Collection method: clinical testing. Allele origin: germline.

GeneDx
Classification: Benign. Last evaluated: 2019-08-18. Review status: criteria provided, single submitter. Criteria: GeneDx Variant Classification Process June 2021. Collection method: clinical testing. Allele origin: germline. Affected: yes.
Comment: This variant is associated with the following publications: (PMID: 15283161)

NM_004006.3(DMD):c.6118-75AT[8]

Gene: DMD (dystrophin; minus strand). Cytogenetic location: Xp21.1.
Variant type: Microsatellite.
Coding change: c.6118-75AT[8] on transcript NM_004006.3 (MANE Select); eight copies in a row of the 2-base unit AT starting at c.6118-75; the reference has seven copies in a row; one copy, 2 bases duplicated.
Molecular consequence: intron variant.
Genome position (GRCh38, 1-based): chrX:32,287,763-32,287,764, AT duplicated on the plus strand (AT on the coding strand, the reverse complement: DMD is on the minus strand); duplicating any 2 consecutive bases within chrX:32,287,763-32,287,777 gives the same sequence; the position shown is the placement nearest the transcript's 3' end. VCF-style (leftmost placement, unchanged base first): chrX-32287762-A-AAT. GRCh37 (hg19) VCF-style: chrX-32305879-A-AAT.
Other names: c.6094-75AT[8] (NM_000109.4); c.2095-75AT[8] (NM_004011.4); c.2086-75AT[8] (NM_004012.4); c.6106-75AT[8] (NM_004009.3); c.5749-75AT[8] (NM_004010.3).
Identifiers: ClinVar variation 1167645 (VCV001167645.11), dbSNP rs3842480, ClinGen allele CA328529835.